The following is an entry in ClinVar:

ClinVar aggregate classification (germline): Likely benign (1 of 4 stars; one submission).

Allele frequency attached by ClinVar (database versions not stated): 1000 Genomes Project 30x 0.00016; 1000 Genomes Project 0.00020; ExAC 0.00136; ESP Exome Variant Server 0.00138; TOPMed 0.00142; gnomAD 0.00146; gnomAD exomes 0.00253.

Submission:

CeGaT Center for Human Genetics Tuebingen
Classification: Likely benign. Last evaluated: 2023-01-01. Review status: criteria provided, single submitter. Criteria: CeGaT Center For Human Genetics Tuebingen Variant Classification Criteria Version 2. Collection method: clinical testing. Allele origin: germline. Affected: yes. Observed: 1 variant allele.
Comment: CASKIN1: BP4

NM_020764.4(CASKIN1):c.618-5G>A

Gene: CASKIN1 (CASK interacting protein 1; minus strand). Cytogenetic location: 16p13.3.
Variant type: single nucleotide variant.
Coding change: c.618-5G>A on transcript NM_020764.4 (MANE Select); 5 bases into the intron before coding-DNA position 618, G replaced by A.
Molecular consequence: intron variant.
Genome position (GRCh38, 1-based): chr16:2,187,466, C>T on the plus strand (G>A on the coding strand, the complement: CASKIN1 is on the minus strand). VCF-style: chr16-2187466-C-T. GRCh37 (hg19) VCF-style: chr16-2237467-C-T.
Identifiers: ClinVar variation 2646054 (VCV002646054.24), dbSNP rs374999558, ClinGen allele CA7836355.